The following is an entry in ClinVar:

ClinVar aggregate classification (germline): Pathogenic (1 of 4 stars; one submission).

Conditions:
Familial cancer of breast. Also called: BREAST CANCER, FAMILIAL; hereditary breast carcinoma; Hereditary breast cancer. Identifiers: Orphanet 227535, MedGen C0346153, MONDO:0016419, OMIM 114480. Disease mechanism: loss of function.

Submission:

Labcorp Genetics (formerly Invitae), Labcorp
Classification: Pathogenic for Familial cancer of breast. Last evaluated: 2023-11-27. Review status: criteria provided, single submitter. Criteria: Invitae Variant Classification Sherloc (09022015). Collection method: clinical testing. Allele origin: germline.
Comment: This variant is a gross deletion of the genomic region encompassing exon(s) 1-5 of the BARD1 gene, which includes the initiator codon. This deletion extends beyond the assayed region for this gene and therefore may encompass additional genes. It is expected to result in an absent or disrupted protein product. Loss-of-function variants in BARD1 are known to be pathogenic (PMID: 20077502, 21344236). This variant has not been reported in the literature in individuals affected with BARD1-related conditions. For these reasons, this variant has been classified as Pathogenic.

Literature cited by the submitters: PubMed 20077502; PubMed 21344236.

NC_000002.11:g.(?_215633946)_(215674293_?)del

Gene: BARD1 (BRCA1 associated RING domain 1; minus strand). Cytogenetic location: 2q35.
Variant type: Deletion.
Identifiers: ClinVar variation 1460045 (VCV001460045.5).